The following is an entry in ClinVar:

NM_001099922.3(ALG13):c.2090G>A (p.Arg697His)

Gene: ALG13 (ALG13 UDP-N-acetylglucosaminyltransferase subunit; plus strand). Cytogenetic location: Xq23.
Variant type: single nucleotide variant.
Coding change: c.2090G>A on transcript NM_001099922.3 (MANE Select); coding-DNA position 2090, G replaced by A.
Protein change: p.Arg697His; replaces arginine 697 with histidine.
Molecular consequence: missense variant. On other transcripts: non-coding transcript variant (1).
Genome position (GRCh38, 1-based): chrX:111,727,445, G>A. VCF-style: chrX-111727445-G-A. GRCh37 (hg19) VCF-style: chrX-110970673-G-A.
Other names: c.1778G>A, p.Arg593His (NM_001257230.2, NM_001257234.2, NM_001257237.2); c.1856G>A, p.Arg619His (NM_001257231.2); c.2090G>A, p.Arg697His (NM_001324292.2); c.1604G>A, p.Arg535His (NM_001324293.1); short protein forms R535H, R619H, R697H, R593H.
Identifiers: ClinVar variation 1516104 (VCV001516104.6), dbSNP rs1416055334, ClinGen allele CA414253236.

ClinVar aggregate classification (germline): Uncertain significance (1 of 4 stars; one submission).

Conditions:
Developmental and epileptic encephalopathy, 36 (DEE36). Also called: Epileptic encephalopathy, early infantile, 36; Congenital disorder of glycosylation, type Is; ALG13-CDG. Identifiers: Orphanet 324422, MedGen C4317295, MONDO:0010472, OMIM 300884.

Allele frequency attached by ClinVar (database versions not stated): gnomAD exomes below 0.00001; TOPMed 0.00002.
gnomAD v4.1: 1 of 1,185,842 alleles (0.000084%); highest among the groups gnomAD compares: East Asian, 0.003%; no homozygotes.

Submission:

Labcorp Genetics (formerly Invitae), Labcorp
Classification: Uncertain significance for Developmental and epileptic encephalopathy, 36. Last evaluated: 2024-05-04. Review status: criteria provided, single submitter. Criteria: Invitae Variant Classification Sherloc (09022015). Collection method: clinical testing. Allele origin: germline.
Comment: This sequence change replaces arginine, which is basic and polar, with histidine, which is basic and polar, at codon 697 of the ALG13 protein (p.Arg697His). This variant also falls at the last nucleotide of exon 17, which is part of the consensus splice site for this exon. The frequency data for this variant in the population databases is considered unreliable, as metrics indicate poor data quality at this position in the gnomAD database. This variant has not been reported in the literature in individuals affected with ALG13-related conditions. ClinVar contains an entry for this variant (Variation ID: 1516104). An algorithm developed to predict the effect of missense changes on protein structure and function (PolyPhen-2) suggests that this variant is likely to be disruptive. Variants that disrupt the consensus splice site are a relatively common cause of aberrant splicing (PMID: 17576681, 9536098). Algorithms developed to predict the effect of sequence changes on RNA splicing suggest that this variant may disrupt the consensus splice site. In summary, the available evidence is currently insufficient to determine the role of this variant in disease. Therefore, it has been classified as a Variant of Uncertain Significance.

Literature cited by the submitters: PubMed 17576681; PubMed 9536098.